The following is an entry in ClinVar:

ClinVar aggregate classification (germline): Uncertain significance (1 of 4 stars; one submission).

Allele frequency attached by ClinVar (database versions not stated): gnomAD exomes below 0.00001; TOPMed below 0.00001; ExAC 0.00001; gnomAD 0.00001.
gnomAD v4.1: 7 of 1,613,926 alleles (0.00043%); highest among the groups gnomAD compares: African/African-American, 0.0013%; no homozygotes.

Submission:

Labcorp Genetics (formerly Invitae), Labcorp
Classification: Uncertain significance. Last evaluated: 2024-09-11. Review status: criteria provided, single submitter. Criteria: Invitae Variant Classification Sherloc (09022015). Collection method: clinical testing. Allele origin: germline.
Comment: This sequence change replaces glutamic acid, which is acidic and polar, with lysine, which is basic and polar, at codon 2107 of the CACNA1D protein (p.Glu2107Lys). This variant is present in population databases (rs762059527, gnomAD 0.007%). This variant has not been reported in the literature in individuals affected with CACNA1D-related conditions. ClinVar contains an entry for this variant (Variation ID: 2112105). An algorithm developed to predict the effect of missense changes on protein structure and function (PolyPhen-2) suggests that this variant is likely to be disruptive. In summary, the available evidence is currently insufficient to determine the role of this variant in disease. Therefore, it has been classified as a Variant of Uncertain Significance.

NM_001128840.3(CACNA1D):c.6259G>A (p.Glu2087Lys)

Gene: CACNA1D (calcium voltage-gated channel subunit alpha1 D; plus strand). Cytogenetic location: 3p21.1.
Variant type: single nucleotide variant.
Coding change: c.6259G>A on transcript NM_001128840.3 (MANE Select); coding-DNA position 6259, G replaced by A.
Protein change: p.Glu2087Lys; replaces glutamic acid 2087 with lysine.
Molecular consequence: missense variant.
Genome position (GRCh38, 1-based): chr3:53,811,179, G>A. VCF-style: chr3-53811179-G-A. GRCh37 (hg19) VCF-style: chr3-53845206-G-A.
Other names: c.6319G>A, p.Glu2107Lys (NM_000720.4); c.6187G>A, p.Glu2063Lys (NM_001128839.3); short protein forms E2087K, E2107K, E2063K.
Identifiers: ClinVar variation 2112105 (VCV002112105.4), dbSNP rs762059527, ClinGen allele CA2455413.